The following is an entry in ClinVar:

ClinVar aggregate classification (germline): Pathogenic (1 of 4 stars; one submission).

Conditions:
X-linked Alport syndrome (ATS1). Also called: NEPHROPATHY AND DEAFNESS, X-LINKED; COL4A5-Related Nephropathy. Identifiers: Orphanet 63, Orphanet 88917, MedGen C4746986, MONDO:0010520, OMIM 301050.

Submission:

Victorian Clinical Genetics Services, Murdoch Childrens Research Institute
Classification: Pathogenic for X-linked Alport syndrome. Last evaluated: 2025-06-30. Review status: criteria provided, single submitter. Criteria: ACMG Guidelines, 2015. Collection method: clinical testing. Allele origin: germline. Affected: yes.
Comment: This variant is classified as Pathogenic. Evidence in support of pathogenic classification: Non-coding variant with known effect. This variant has been shown to retain 128bp of intron 10 resulting in a cryptic exon. The resultant transcript is out of frame and predicted to undergo NMD (p.Gly204Valfs*7) (PMID: 34508137, 37230224); Variant is absent from gnomAD (v2, v3 and v4); This variant has limited previous evidence of pathogenicity in unrelated individuals. This variant has been reported in two unrelated individuals with Alport syndrome in the literature (PMID: 34508137, 37230224); Other NMD-predicted variants comparable to the one identified in this case have very strong previous evidence for pathogenicity (DECIPHER). Additional information: This variant is heterozygous; This gene is associated with X-linked dominant disease. Males are typically more severely affected than females (PMID: 19965530); Dominant negative and loss of function are known mechanisms of disease in this gene and are associated with X-linked Alport syndrome 1 (MIM#301050). A dominant negative disease mechanism is caused mostly by glycine substitutions that affect the conformation of the protein, and loss of function can be caused by either missense variants or variants causing a premature termination codon (PMID: 24046192, 12028435); Variants in this gene are known to have variable expressivity. There is intrafamilial variability among affected females, possibly due to variable X-inactivation (PMID: 14514738); Inheritance information for this variant is not currently available in this individual.

Literature cited by the submitters: PubMed 24046192; PubMed 34508137; PubMed 12028435; PubMed 14514738; PubMed 19965530; PubMed 37230224.

NM_033380.3(COL4A5):c.609+879A>G

Gene: COL4A5 (collagen type IV alpha 5 chain; plus strand). Cytogenetic location: Xq22.3.
Variant type: single nucleotide variant.
Coding change: c.609+879A>G on transcript NM_033380.3 (MANE Select); 879 bases into the intron after coding-DNA position 609, A replaced by G.
Molecular consequence: intron variant.
Genome position (GRCh38, 1-based): chrX:108,576,851, A>G. VCF-style: chrX-108576851-A-G. GRCh37 (hg19) VCF-style: chrX-107820081-A-G.
Other names: c.609+879A>G (NM_000495.5).
Identifiers: ClinVar variation 4532138 (VCV004532138.1).